The following is an entry in ClinVar:

NM_014112.5(TRPS1):c.1132T>C (p.Ser378Pro)

Gene: TRPS1 (transcriptional repressor GATA binding 1; minus strand). Cytogenetic location: 8q23.3.
Variant type: single nucleotide variant.
Coding change: c.1132T>C on transcript NM_014112.5 (MANE Select); coding-DNA position 1132, T replaced by C.
Protein change: p.Ser378Pro; replaces serine 378 with proline.
Molecular consequence: missense variant.
Genome position (GRCh38, 1-based): chr8:115,604,837, A>G on the plus strand (T>C on the coding strand, the complement: TRPS1 is on the minus strand). VCF-style: chr8-115604837-A-G. GRCh37 (hg19) VCF-style: chr8-116617064-A-G.
Other names: c.1105T>C, p.Ser369Pro (NM_001282902.3); c.1111T>C, p.Ser371Pro (NM_001282903.3); c.1093T>C, p.Ser365Pro (NM_001330599.2); short protein forms S369P, S378P, S365P, S371P.
Identifiers: ClinVar variation 4832123 (VCV004832123.1).

ClinVar aggregate classification (germline): Uncertain significance (1 of 4 stars; one submission).

Conditions:
Inborn genetic diseases. Identifiers: MedGen C0950123, MeSH D030342.

gnomAD v4.1: 17 of 1,613,994 alleles (0.0011%); highest among the groups gnomAD compares: Non-Finnish European, 0.0014%; no homozygotes.

Submission:

Ambry Genetics
Classification: Uncertain significance for Inborn genetic diseases. Last evaluated: 2026-02-24. Review status: criteria provided, single submitter. Criteria: Ambry Variant Classification Scheme 2023. Collection method: clinical testing. Allele origin: germline.
Comment: The c.1132T>C (p.S378P) alteration is located in exon 4 (coding exon 3) of the TRPS1 gene. This alteration results from a T to C substitution at nucleotide position 1132, causing the serine (S) at amino acid position 378 to be replaced by a proline (P). Based on data from gnomAD, the C allele has an overall frequency of <0.001% (1/249294) total alleles studied. The highest observed frequency was 0.001% (1/113078) of European (non-Finnish) alleles. Based on insufficient or conflicting evidence, the clinical significance of this alteration remains unclear.